The following is an entry in ClinVar:

NM_004972.4(JAK2):c.257C>T (p.Ala86Val)

Genes: INSL6 (insulin like 6; minus strand), JAK2 (Janus kinase 2; plus strand). Cytogenetic location: 9p24.1.
Variant type: single nucleotide variant.
Coding change: c.257C>T on transcript NM_004972.4 (MANE Select); coding-DNA position 257, C replaced by T.
Protein change: p.Ala86Val; replaces alanine 86 with valine.
Molecular consequence: missense variant. On other transcripts: 5 prime UTR variant (2), non-coding transcript variant (2).
Genome position (GRCh38, 1-based): chr9:5,029,813, C>T. VCF-style: chr9-5029813-C-T. GRCh37 (hg19) VCF-style: chr9-5029813-C-T.
Other names: c.257C>T, p.Ala86Val (NM_001322194.2, NM_001322195.2, NM_001322196.2); c.-864C>T (NM_001322198.2, NM_001322199.2); short protein forms A86V.
Identifiers: ClinVar variation 4801778 (VCV004801778.1).

ClinVar aggregate classification (germline): Uncertain significance (1 of 4 stars; one submission).

gnomAD v4.1: 1 of 1,611,172 alleles (0.000062%); highest among the groups gnomAD compares: Non-Finnish European, 0.000085%; no homozygotes.

Submission:

Labcorp Genetics (formerly Invitae), Labcorp
Classification: Uncertain significance. Last evaluated: 2025-11-09. Review status: criteria provided, single submitter. Criteria: Invitae Variant Classification Sherloc (09022015). Collection method: clinical testing. Allele origin: germline.
Comment: This sequence change replaces alanine, which is neutral and non-polar, with valine, which is neutral and non-polar, at codon 86 of the JAK2 protein (p.Ala86Val). This variant is not present in population databases (gnomAD no frequency). This variant has not been reported in the literature in individuals affected with JAK2-related conditions. Invitae Evidence Modeling of protein sequence and biophysical properties (such as structural, functional, and spatial information, amino acid conservation, physicochemical variation, residue mobility, and thermodynamic stability) indicates that this missense variant is not expected to disrupt JAK2 protein function with a negative predictive value of 95%. In summary, the available evidence is currently insufficient to determine the role of this variant in disease. Therefore, it has been classified as a Variant of Uncertain Significance.